The following is an entry in ClinVar:

ClinVar aggregate classification (germline): Uncertain significance (1 of 4 stars; one submission).

Conditions:
Inborn genetic diseases. Identifiers: MedGen C0950123, MeSH D030342.

Submission:

Ambry Genetics
Classification: Uncertain significance for Inborn genetic diseases. Last evaluated: 2025-08-31. Review status: criteria provided, single submitter. Criteria: Ambry Variant Classification Scheme 2023. Collection method: clinical testing. Allele origin: germline.
Comment: The p.I969T variant (also known as c.2906T>C), located in coding exon 29 of the RTEL1 gene, results from a T to C substitution at nucleotide position 2906. The isoleucine at codon 969 is replaced by threonine, an amino acid with similar properties. This amino acid position is conserved. In addition, this alteration is predicted to be tolerated by in silico analysis. Based on the available evidence, the clinical significance of this variant remains unclear.

NM_001283009.2(RTEL1):c.2906T>C (p.Ile969Thr)

Genes: RTEL1 (regulator of telomere elongation helicase 1; plus strand), RTEL1-TNFRSF6B (RTEL1-TNFRSF6B readthrough (NMD candidate); plus strand). Cytogenetic location: 20q13.33.
Variant type: single nucleotide variant.
Coding change: c.2906T>C on transcript NM_001283009.2 (MANE Select); coding-DNA position 2906, T replaced by C.
Protein change: p.Ile969Thr; replaces isoleucine 969 with threonine.
Molecular consequence: missense variant. On other transcripts: non-coding transcript variant (1).
Genome position (GRCh38, 1-based): chr20:63,693,197, T>C. VCF-style: chr20-63693197-T-C. GRCh37 (hg19) VCF-style: chr20-62324550-T-C.
Other names: c.2237T>C, p.Ile746Thr (NM_001283010.1); c.2906T>C, p.Ile969Thr (NM_016434.4); c.2978T>C, p.Ile993Thr (NM_032957.5); short protein forms I993T, I746T, I969T.
Identifiers: ClinVar variation 4157716 (VCV004157716.1).